The following is an entry in ClinVar:

NM_018685.5(ANLN):c.977A>G (p.Lys326Arg)

Gene: ANLN (anillin, actin binding protein; plus strand). Cytogenetic location: 7p14.2.
Variant type: single nucleotide variant.
Coding change: c.977A>G on transcript NM_018685.5 (MANE Select); coding-DNA position 977, A replaced by G.
Protein change: p.Lys326Arg; replaces lysine 326 with arginine.
Molecular consequence: missense variant.
Genome position (GRCh38, 1-based): chr7:36,407,837, A>G. VCF-style: chr7-36407837-A-G. GRCh37 (hg19) VCF-style: chr7-36447446-A-G.
Other names: c.977A>G, p.Lys326Arg (NM_001284301.3, NM_001284302.3); short protein forms K326R.
Identifiers: ClinVar variation 1206573 (VCV001206573.3), dbSNP rs759411952, ClinGen allele CA157082803.

ClinVar aggregate classification (germline): Uncertain significance (1 of 4 stars; one submission).

Allele frequency attached by ClinVar (database versions not stated): TOPMed below 0.00001; gnomAD exomes 0.00001.
gnomAD v4.1: 10 of 1,613,924 alleles (0.00062%); highest among the groups gnomAD compares: Non-Finnish European, 0.00076%; no homozygotes.

Submission:

GeneDx
Classification: Uncertain significance. Last evaluated: 2019-10-02. Review status: criteria provided, single submitter. Criteria: GeneDx Variant Classification Process June 2021. Collection method: clinical testing. Allele origin: germline. Affected: yes.
Comment: Not observed in large population cohorts (Lek et al., 2016); In silico analysis, which includes protein predictors and evolutionary conservation, supports that this variant does not alter protein structure/function; Has not been previously published as pathogenic or benign to our knowledge